The following is an entry in ClinVar:

ClinVar aggregate classification (germline): Uncertain significance. Review status: criteria provided, multiple submitters, no conflicts (2 of 4 stars). 5 submissions from 5 submitters: Uncertain significance (4). 1 of the submissions does not count toward it. Last evaluated 2026-01-06.

Conditions:
Hereditary insensitivity to pain with anhidrosis (CIPA). Also called: INSENSITIVITY TO PAIN, CONGENITAL, WITH ANHIDROSIS; hereditary sensory and autonomic neuropathy type 4; HSAN Type IV; NTRK1 Congenital Insensitivity to Pain with Anhidrosis; FAMILIAL DYSAUTONOMIA, TYPE II; NEUROPATHY, CONGENITAL SENSORY, WITH ANHIDROSIS. Identifiers: Orphanet 642, MedGen C0020074, MONDO:0009746, OMIM 256800.

Submissions (5):

Myriad Genetics, Inc.
Classification: Uncertain significance for Hereditary insensitivity to pain with anhidrosis. Last evaluated: 2026-01-06. Review status: criteria provided, single submitter. Criteria: Myriad Autosomal Dominant, Autosomal Recessive and X-Linked Classification Criteria (2023). Collection method: clinical testing. Allele origin: unknown.
Comment: NM_002529.3(NTRK1):c.2015G>A(S672N) is a missense variant classified as a variant of uncertain significance in the context of congenital insensitivity to pain with anhidrosis, NTRK1-related. S672N has not been observed in cases with relevant disease. Relevant functional assessments of this variant are not available in the literature. S672N has not been observed in referenced population frequency databases. In summary, there is insufficient evidence to classify NM_002529.3(NTRK1):c.2015G>A(S672N) as pathogenic or benign. Please note: this variant was assessed in the context of healthy population screening.

Genome-Nilou Lab
Classification: Uncertain significance for Hereditary insensitivity to pain with anhidrosis. Last evaluated: 2023-04-11. Review status: criteria provided, single submitter. Criteria: ACMG Guidelines, 2015. Collection method: clinical testing. Allele origin: germline. Affected: no.

Labcorp Genetics (formerly Invitae), Labcorp
Classification: Uncertain significance for Hereditary insensitivity to pain with anhidrosis. Last evaluated: 2022-10-13. Review status: criteria provided, single submitter. Criteria: Invitae Variant Classification Sherloc (09022015). Collection method: clinical testing. Allele origin: germline.
Comment: This sequence change replaces serine, which is neutral and polar, with asparagine, which is neutral and polar, at codon 666 of the NTRK1 protein (p.Ser666Asn). This variant is not present in population databases (gnomAD no frequency). This variant has not been reported in the literature in individuals affected with NTRK1-related conditions. ClinVar contains an entry for this variant (Variation ID: 570430). Advanced modeling of protein sequence and biophysical properties (such as structural, functional, and spatial information, amino acid conservation, physicochemical variation, residue mobility, and thermodynamic stability) performed at Invitae indicates that this missense variant is not expected to disrupt NTRK1 protein function. In summary, the available evidence is currently insufficient to determine the role of this variant in disease. Therefore, it has been classified as a Variant of Uncertain Significance.

Illumina Laboratory Services, Illumina
Classification: Uncertain significance for Hereditary insensitivity to pain with anhidrosis. Last evaluated: 2018-01-12. Review status: criteria provided, single submitter. Criteria: ICSL Variant Classification Criteria 13 December 2019. Collection method: clinical testing. Allele origin: germline.

Natera, Inc.
Classification: Uncertain significance for Hereditary insensitivity to pain with anhidrosis. Last evaluated: 2021-04-27. Review status: no assertion criteria provided. Collection method: clinical testing. Allele origin: germline. Not counted in ClinVar's aggregate classification.

NM_002529.4(NTRK1):c.2015G>A (p.Ser672Asn)

Gene: NTRK1 (neurotrophic receptor tyrosine kinase 1; plus strand). Cytogenetic location: 1q23.1.
Variant type: single nucleotide variant.
Coding change: c.2015G>A on transcript NM_002529.4 (MANE Select); coding-DNA position 2015, G replaced by A.
Protein change: p.Ser672Asn; replaces serine 672 with asparagine.
Molecular consequence: missense variant.
Genome position (GRCh38, 1-based): chr1:156,879,331, G>A. VCF-style: chr1-156879331-G-A. GRCh37 (hg19) VCF-style: chr1-156849123-G-A.
Other names: c.1907G>A, p.Ser636Asn (NM_001007792.1); c.1997G>A, p.Ser666Asn (NM_001012331.2); short protein forms S672N, S666N, S636N.
Identifiers: ClinVar variation 570430 (VCV000570430.12), dbSNP rs1558108205, ClinGen allele CA342940038.
Genomic context (GRCh38, chr1:156,879,331, plus strand): 5'-CCACACGCAACTGTCTAGTGGGCCAGGGACTGGTGGTCAAGATTGGTGATTTTGGCATGA[G>A]CAGGGATATCTACAGCACCGACTATTACCGTGTAAGGGTCCTTTGTCCCCAACGCCTTCC-3'
Protein context (NP_002520.2, residues 662-682): LVVKIGDFGM[Ser672Asn]RDIYSTDYYR